The following is an entry in ClinVar:

NM_005529.7(HSPG2):c.12412G>A (p.Asp4138Asn)

Gene: HSPG2 (heparan sulfate proteoglycan 2; minus strand). Cytogenetic location: 1p36.12.
Variant type: single nucleotide variant.
Coding change: c.12412G>A on transcript NM_005529.7 (MANE Select); coding-DNA position 12412, G replaced by A.
Protein change: p.Asp4138Asn; replaces aspartic acid 4138 with asparagine.
Molecular consequence: missense variant.
Genome position (GRCh38, 1-based): chr1:21,828,150, C>T on the plus strand (G>A on the coding strand, the complement: HSPG2 is on the minus strand). VCF-style: chr1-21828150-C-T. GRCh37 (hg19) VCF-style: chr1-22154643-C-T.
Other names: c.12412G>A (NM_005529.5, NM_005529.6); c.12415G>A, p.Asp4139Asn (NM_001291860.2); short protein forms D4139N, D4138N.
Identifiers: ClinVar variation 2190769 (VCV002190769.7), dbSNP rs373674942, ClinGen allele CA669430.

ClinVar aggregate classification (germline): Uncertain significance. Review status: criteria provided, multiple submitters, no conflicts (2 of 4 stars). 5 submissions from 5 submitters: Uncertain significance (5). Last evaluated 2025-08-28.

Conditions:
Inborn genetic diseases. Identifiers: MedGen C0950123, MeSH D030342.

Allele frequency attached by ClinVar (database versions not stated): ExAC 0.00003; gnomAD 0.00013; ESP Exome Variant Server 0.00008; gnomAD exomes 0.00001; TOPMed 0.00017.
gnomAD v4.1: 42 of 1,611,736 alleles (0.0026%); highest among the groups gnomAD compares: African/African-American, 0.047%; no homozygotes.

Submissions (5):

Athena Diagnostics
Classification: Uncertain significance. Last evaluated: 2025-08-28. Review status: criteria provided, single submitter. Criteria: Athena Diagnostics Criteria. Collection method: clinical testing. Allele origin: unknown.
Comment: Available data are insufficient to determine the clinical significance of the variant at this time. The frequency of this variant in the general population is uninformative in assessment of its pathogenicity. Polyphen and MutationTaster yielded discordant predictions regarding whether this amino acid change is damaging to the protein.

ARUP Laboratories, Molecular Genetics and Genomics, ARUP Laboratories
Classification: Uncertain significance. Last evaluated: 2025-02-25. Review status: criteria provided, single submitter. Criteria: ARUP Molecular Germline Variant Investigation Process 2024. Collection method: clinical testing. Allele origin: germline.
Comment: The HSPG2 c.12412G>A; p.Asp4138Asn variant (rs373674942), to our knowledge, is not reported in the medical literature but is reported in ClinVar (Variation ID: 2190769). This variant is found in the African/African-American population with an allele frequency of 0.048% (12/24,788 alleles) in the Genome Aggregation Database (v2.1.1). Computational analyses are uncertain whether this variant is neutral or deleterious (REVEL: 0.349). Due to limited information, the clinical significance of this variant is uncertain at this time.

Ambry Genetics
Classification: Uncertain significance for Inborn genetic diseases. Last evaluated: 2024-02-13. Review status: criteria provided, single submitter. Criteria: Ambry Variant Classification Scheme 2023. Collection method: clinical testing. Allele origin: germline.

Labcorp Genetics (formerly Invitae), Labcorp
Classification: Uncertain significance. Last evaluated: 2022-07-25. Review status: criteria provided, single submitter. Criteria: Invitae Variant Classification Sherloc (09022015). Collection method: clinical testing. Allele origin: germline.
Comment: This sequence change replaces aspartic acid, which is acidic and polar, with asparagine, which is neutral and polar, at codon 4138 of the HSPG2 protein (p.Asp4138Asn). This variant is present in population databases (rs373674942, gnomAD 0.05%). This variant has not been reported in the literature in individuals affected with HSPG2-related conditions. Algorithms developed to predict the effect of missense changes on protein structure and function are either unavailable or do not agree on the potential impact of this missense change (SIFT: "Deleterious"; PolyPhen-2: "Benign"; Align-GVGD: "Class C0"). In summary, the available evidence is currently insufficient to determine the role of this variant in disease. Therefore, it has been classified as a Variant of Uncertain Significance.

Revvity Omics, Revvity
Classification: Uncertain significance. Last evaluated: 2019-02-05. Review status: criteria provided, single submitter. Criteria: ACMG Guidelines, 2015. Collection method: clinical testing. Allele origin: germline.